The following is an entry in ClinVar:

ClinVar aggregate classification (germline): Uncertain significance. Review status: criteria provided, multiple submitters, no conflicts (2 of 4 stars). 2 submissions from 2 submitters: Uncertain significance (2). Last evaluated 2025-07-14.

Conditions:
Inborn genetic diseases. Identifiers: MedGen C0950123, MeSH D030342.

Allele frequency attached by ClinVar (database versions not stated): ExAC 0.00004; gnomAD exomes 0.00004; TOPMed 0.00002; gnomAD 0.00003.
gnomAD v4.1: 64 of 1,613,964 alleles (0.004%); highest among the groups gnomAD compares: Middle Eastern, 0.016%; no homozygotes.

Submissions (2):

Ambry Genetics
Classification: Uncertain significance for Inborn genetic diseases. Last evaluated: 2025-07-14. Review status: criteria provided, single submitter. Criteria: Ambry Variant Classification Scheme 2023. Collection method: clinical testing. Allele origin: germline.

Labcorp Genetics (formerly Invitae), Labcorp
Classification: Uncertain significance. Last evaluated: 2025-07-07. Review status: criteria provided, single submitter. Criteria: Invitae Variant Classification Sherloc (09022015). Collection method: clinical testing. Allele origin: germline.
Comment: This sequence change replaces glutamine, which is neutral and polar, with arginine, which is basic and polar, at codon 482 of the GTPBP3 protein (p.Gln482Arg). This variant is present in population databases (rs777045807, gnomAD 0.01%). This variant has not been reported in the literature in individuals affected with GTPBP3-related conditions. ClinVar contains an entry for this variant (Variation ID: 2098654). Invitae Evidence Modeling of protein sequence and biophysical properties (such as structural, functional, and spatial information, amino acid conservation, physicochemical variation, residue mobility, and thermodynamic stability) indicates that this missense variant is not expected to disrupt GTPBP3 protein function with a negative predictive value of 80%. In summary, the available evidence is currently insufficient to determine the role of this variant in disease. Therefore, it has been classified as a Variant of Uncertain Significance.

NM_032620.4(GTPBP3):c.1349A>G (p.Gln450Arg)

Gene: GTPBP3 (GTP binding protein 3, mitochondrial; plus strand). Cytogenetic location: 19p13.11.
Variant type: single nucleotide variant.
Coding change: c.1349A>G on transcript NM_032620.4 (MANE Select); coding-DNA position 1349, A replaced by G.
Protein change: p.Gln450Arg; replaces glutamine 450 with arginine.
Molecular consequence: missense variant.
Genome position (GRCh38, 1-based): chr19:17,341,573, A>G. VCF-style: chr19-17341573-A-G. GRCh37 (hg19) VCF-style: chr19-17452382-A-G.
Other names: c.1445A>G (NM_133644.3); c.1286A>G, p.Gln429Arg (NM_001128855.3); c.1415A>G, p.Gln472Arg (NM_001195422.1); c.1445A>G, p.Gln482Arg (NM_133644.4); short protein forms Q472R, Q450R, Q482R, Q429R.
Identifiers: ClinVar variation 2098654 (VCV002098654.4), dbSNP rs777045807, ClinGen allele CA9293714.